The following is an entry in ClinVar:

NM_022356.4(P3H1):c.815A>T (p.Tyr272Phe)

Gene: P3H1 (prolyl 3-hydroxylase 1; minus strand). Cytogenetic location: 1p34.2.
Variant type: single nucleotide variant.
Coding change: c.815A>T on transcript NM_022356.4 (MANE Select); coding-DNA position 815, A replaced by T.
Protein change: p.Tyr272Phe; replaces tyrosine 272 with phenylalanine.
Molecular consequence: missense variant.
Genome position (GRCh38, 1-based): chr1:42,758,977, T>A on the plus strand (A>T on the coding strand, the complement: P3H1 is on the minus strand). VCF-style: chr1-42758977-T-A. GRCh37 (hg19) VCF-style: chr1-43224648-T-A.
Other names: c.815A>T, p.Tyr272Phe (NM_001146289.2, NM_001243246.2); c.815A>T (NM_022356.3); short protein forms Y272F.
Identifiers: ClinVar variation 1006078 (VCV001006078.8), dbSNP rs1652552999, ClinGen allele CA339959601.

ClinVar aggregate classification (germline): Uncertain significance. Review status: criteria provided, multiple submitters, no conflicts (2 of 4 stars). 3 submissions from 3 submitters: Uncertain significance (3). Last evaluated 2023-08-15.

Conditions:
Inborn genetic diseases. Identifiers: MedGen C0950123, MeSH D030342.
Osteogenesis imperfecta type 8 (OI8). Identifiers: MedGen C1970458, MONDO:0012581, OMIM 610915.

Allele frequency attached by ClinVar (database versions not stated): gnomAD exomes below 0.00001.
gnomAD v4.1: 2 of 1,614,194 alleles (0.00012%); highest among the groups gnomAD compares: South Asian, 0.0022%; no homozygotes.

Submissions (3):

Ambry Genetics
Classification: Uncertain significance for Inborn genetic diseases. Last evaluated: 2023-08-15. Review status: criteria provided, single submitter. Criteria: Ambry Variant Classification Scheme 2023. Collection method: clinical testing. Allele origin: germline.

Genome-Nilou Lab
Classification: Uncertain significance for Osteogenesis imperfecta type 8. Last evaluated: 2023-04-11. Review status: criteria provided, single submitter. Criteria: ACMG Guidelines, 2015. Collection method: clinical testing. Allele origin: germline. Affected: no.

Labcorp Genetics (formerly Invitae), Labcorp
Classification: Uncertain significance for Osteogenesis imperfecta type 8. Last evaluated: 2022-07-25. Review status: criteria provided, single submitter. Criteria: Invitae Variant Classification Sherloc (09022015). Collection method: clinical testing. Allele origin: germline.
Comment: This sequence change replaces tyrosine, which is neutral and polar, with phenylalanine, which is neutral and non-polar, at codon 272 of the P3H1 protein (p.Tyr272Phe). This variant is not present in population databases (gnomAD no frequency). This variant has not been reported in the literature in individuals affected with P3H1-related conditions. ClinVar contains an entry for this variant (Variation ID: 1006078). Algorithms developed to predict the effect of missense changes on protein structure and function are either unavailable or do not agree on the potential impact of this missense change (SIFT: "Deleterious"; PolyPhen-2: "Benign"; Align-GVGD: "Class C0"). In summary, the available evidence is currently insufficient to determine the role of this variant in disease. Therefore, it has been classified as a Variant of Uncertain Significance.